The following is an entry in ClinVar:

NM_153704.6(TMEM67):c.42G>T (p.Trp14Cys)

Gene: TMEM67 (transmembrane protein 67; plus strand). Cytogenetic location: 8q22.1.
Variant type: single nucleotide variant.
Coding change: c.42G>T on transcript NM_153704.6 (MANE Select); coding-DNA position 42, G replaced by T.
Protein change: p.Trp14Cys; replaces tryptophan 14 with cysteine.
Molecular consequence: missense variant. On other transcripts: non-coding transcript variant (1), intron variant (1).
Genome position (GRCh38, 1-based): chr8:93,754,956, G>T. VCF-style: chr8-93754956-G-T. GRCh37 (hg19) VCF-style: chr8-94767184-G-T.
Other names: c.-180+47G>T (NM_001142301.1); c.42G>T (NM_153704.5); short protein forms W14C.
Identifiers: ClinVar variation 1434635 (VCV001434635.5), dbSNP rs781254251, ClinGen allele CA4807501.

ClinVar aggregate classification (germline): Uncertain significance. Review status: criteria provided, multiple submitters, no conflicts (2 of 4 stars). 3 submissions from 3 submitters: Uncertain significance (3). Last evaluated 2025-05-29.

Conditions:
TMEM67-related disorder. Also called: TMEM67-related disorders; TMEM67-related condition. Identifiers: MedGen CN239423.
Inborn genetic diseases. Identifiers: MedGen C0950123, MeSH D030342.
Meckel-Gruber syndrome. Also called: DYSENCEPHALIA SPLANCHNOCYSTICA; GRUBER SYNDROME; Dysencephalia splachnocystica. Identifiers: Orphanet 564, MedGen C0265215, MONDO:0018921.
Joubert syndrome. Also called: JOUBERT-BOLTSHAUSER SYNDROME; Familial aplasia of the vermis. Identifiers: Orphanet 475, MedGen C5979921, MONDO:0018772.

Allele frequency attached by ClinVar (database versions not stated): ExAC 0.00002; gnomAD exomes 0.00002; TOPMed 0.00002.
gnomAD v4.1: 93 of 1,614,002 alleles (0.0058%); highest among the groups gnomAD compares: Non-Finnish European, 0.0078%; no homozygotes.

Submissions (3):

PreventionGenetics, part of Exact Sciences
Classification: Uncertain significance for TMEM67-related condition. Last evaluated: 2025-05-29. Review status: criteria provided, single submitter. Criteria: ACMG Guidelines, 2015. Collection method: clinical testing. Allele origin: germline.
Comment: The TMEM67 c.42G>T variant is predicted to result in the amino acid substitution p.Trp14Cys. To our knowledge, this variant has not been reported in the literature. This variant is reported in 0.0035% of alleles in individuals of European (Non-Finnish) descent in gnomAD. At this time, the clinical significance of this variant is uncertain due to the absence of conclusive functional and genetic evidence.

Ambry Genetics
Classification: Uncertain significance for Inborn genetic diseases. Last evaluated: 2025-03-31. Review status: criteria provided, single submitter. Criteria: Ambry Variant Classification Scheme 2023. Collection method: clinical testing. Allele origin: germline.

Labcorp Genetics (formerly Invitae), Labcorp
Classification: Uncertain significance for Joubert syndrome; Meckel-Gruber syndrome. Last evaluated: 2022-05-17. Review status: criteria provided, single submitter. Criteria: Invitae Variant Classification Sherloc (09022015). Collection method: clinical testing. Allele origin: germline.
Comment: This sequence change replaces tryptophan, which is neutral and slightly polar, with cysteine, which is neutral and slightly polar, at codon 14 of the TMEM67 protein (p.Trp14Cys). This variant is present in population databases (rs781254251, gnomAD 0.004%). This variant has not been reported in the literature in individuals affected with TMEM67-related conditions. Advanced modeling of protein sequence and biophysical properties (such as structural, functional, and spatial information, amino acid conservation, physicochemical variation, residue mobility, and thermodynamic stability) performed at Invitae indicates that this missense variant is not expected to disrupt TMEM67 protein function. In summary, the available evidence is currently insufficient to determine the role of this variant in disease. Therefore, it has been classified as a Variant of Uncertain Significance.